The following is an entry in ClinVar:

ClinVar aggregate classification (germline): Uncertain significance (1 of 4 stars; one submission).

Conditions:
Wilms tumor 1 (WT1). Also called: Wilms tumor, somatic. Identifiers: Orphanet 654, MedGen CN033288, MONDO:0008679, OMIM 194070.

Submission:

Labcorp Genetics (formerly Invitae), Labcorp
Classification: Uncertain significance for Wilms tumor 1. Last evaluated: 2021-07-11. Review status: criteria provided, single submitter. Criteria: Invitae Variant Classification Sherloc (09022015). Collection method: clinical testing. Allele origin: germline.
Comment: In summary, the available evidence is currently insufficient to determine the role of this variant in disease. Therefore, it has been classified as a Variant of Uncertain Significance. Algorithms developed to predict the effect of missense changes on protein structure and function are either unavailable or do not agree on the potential impact of this missense change (SIFT: "Deleterious"; PolyPhen-2: "Possibly Damaging"; Align-GVGD: "Class C0"). This variant has not been reported in the literature in individuals affected with GPC3-related conditions. This variant is not present in population databases (ExAC no frequency). This sequence change replaces glutamic acid with lysine at codon 430 of the GPC3 protein (p.Glu430Lys). The glutamic acid residue is moderately conserved and there is a small physicochemical difference between glutamic acid and lysine.

NM_004484.4(GPC3):c.1288G>A (p.Glu430Lys)

Gene: GPC3 (glypican 3; minus strand). Cytogenetic location: Xq26.2.
Variant type: single nucleotide variant.
Coding change: c.1288G>A on transcript NM_004484.4 (MANE Select); coding-DNA position 1288, G replaced by A.
Protein change: p.Glu430Lys; replaces glutamic acid 430 with lysine.
Molecular consequence: missense variant.
Genome position (GRCh38, 1-based): chrX:133,692,373, C>T on the plus strand (G>A on the coding strand, the complement: GPC3 is on the minus strand). VCF-style: chrX-133692373-C-T. GRCh37 (hg19) VCF-style: chrX-132826401-C-T.
Other names: c.1357G>A, p.Glu453Lys (NM_001164617.2); c.1240G>A, p.Glu414Lys (NM_001164618.2); c.1126G>A, p.Glu376Lys (NM_001164619.2); short protein forms E414K, E430K, E453K, E376K.
Identifiers: ClinVar variation 1366744 (VCV001366744.8), dbSNP rs2124430649, ClinGen allele CA414705279.